The following is an entry in ClinVar:

ClinVar aggregate classification (germline): Likely benign (1 of 4 stars; one submission).

gnomAD v4.1: 1 of 1,614,150 alleles (0.000062%); highest among the groups gnomAD compares: Non-Finnish European, 0.000085%; no homozygotes.

Submission:

CeGaT Center for Human Genetics Tuebingen
Classification: Likely benign. Last evaluated: 2025-08-01. Review status: criteria provided, single submitter. Criteria: CeGaT Center For Human Genetics Tuebingen Variant Classification Criteria Version 2. Collection method: clinical testing. Allele origin: germline. Affected: yes. Observed: 1 variant allele.
Comment: SUFU: BP4, BP7

NM_016169.4(SUFU):c.1083T>C (p.Ile361=)

Gene: SUFU (SUFU negative regulator of hedgehog signaling; plus strand). Cytogenetic location: 10q24.32.
Variant type: single nucleotide variant.
Coding change: c.1083T>C on transcript NM_016169.4 (MANE Select); coding-DNA position 1083, T replaced by C.
Protein change: p.Ile361=; no amino-acid change (isoleucine 361 retained).
Molecular consequence: synonymous variant.
Genome position (GRCh38, 1-based): chr10:102,615,328, T>C. VCF-style: chr10-102615328-T-C. GRCh37 (hg19) VCF-style: chr10-104375085-T-C.
Other names: c.1083T>C, p.Ile361= (NM_001178133.2).
Identifiers: ClinVar variation 4084600 (VCV004084600.8).